The following is an entry in ClinVar:

NM_002137.4(HNRNPA2B1):c.659-4A>G

Gene: HNRNPA2B1 (heterogeneous nuclear ribonucleoprotein A2/B1; minus strand). Cytogenetic location: 7p15.2.
Variant type: single nucleotide variant.
Coding change: c.659-4A>G on transcript NM_002137.4 (MANE Select); 4 bases into the intron before coding-DNA position 659, A replaced by G.
Molecular consequence: intron variant.
Genome position (GRCh38, 1-based): chr7:26,195,913, T>C on the plus strand (A>G on the coding strand, the complement: HNRNPA2B1 is on the minus strand). VCF-style: chr7-26195913-T-C. GRCh37 (hg19) VCF-style: chr7-26235533-T-C.
Other names: c.659-4A>G (NM_001438578.1, NM_001438576.1, NM_001438575.1 and 4 more transcripts); c.695-4A>G (NM_001438574.1, NM_001438573.1, NM_001438568.1 and 3 more transcripts).
Identifiers: ClinVar variation 571200 (VCV000571200.8), dbSNP rs1562711082, ClinGen allele CA891842575.

ClinVar aggregate classification (germline): Uncertain significance (1 of 4 stars; one submission).

Conditions:
Inclusion body myopathy with early-onset Paget disease with or without frontotemporal dementia 2 (IBMPFD2). Also called: MULTISYSTEM PROTEINOPATHY 2. Identifiers: MedGen C3809468, MONDO:0014178, OMIM 615422.

Submission:

Labcorp Genetics (formerly Invitae), Labcorp
Classification: Uncertain significance for Inclusion body myopathy with early-onset Paget disease with or without frontotemporal dementia 2. Last evaluated: 2022-11-28. Review status: criteria provided, single submitter. Criteria: Invitae Variant Classification Sherloc (09022015). Collection method: clinical testing. Allele origin: germline.
Comment: ClinVar contains an entry for this variant (Variation ID: 571200). This variant has not been reported in the literature in individuals affected with HNRNPA2B1-related conditions. This variant is not present in population databases (gnomAD no frequency). This sequence change falls in intron 7 of the HNRNPA2B1 gene. It does not directly change the encoded amino acid sequence of the HNRNPA2B1 protein. Algorithms developed to predict the effect of sequence changes on RNA splicing suggest that this variant may create or strengthen a splice site. In summary, the available evidence is currently insufficient to determine the role of this variant in disease. Therefore, it has been classified as a Variant of Uncertain Significance.